The following is an entry in ClinVar:

NM_024312.4(GNPTAB):c.[545T>A;614A>C]

Variant type: Haplotype.
Identifiers: ClinVar variation 39095 (VCV000039095.3).

ClinVar aggregate classification (germline): Pathogenic (0 of 4 stars; one submission).

Conditions:
Mucolipidosis type II. Also called: Mucolipidosis 2; ML 2; Inclusion cell disease; Leroy Disease; N-acetylglucosamine 1phosphotransferase deficiency; ML disorder type 2. Identifiers: Orphanet 576, MedGen C2673377, MONDO:0009650, OMIM 252500.

Submission:

GeneReviews
Classification: Pathogenic for Mucolipidosis II. Last evaluated: 2012-05-10. Review status: no assertion criteria provided. Collection method: curation. Allele origin: unknown.
ClinVar note: Converted during submission from pathologic to Pathogenic.